The following is an entry in ClinVar:

NM_000292.3(PHKA2):c.976T>C (p.Cys326Arg)

Gene: PHKA2 (phosphorylase kinase regulatory subunit alpha 2; minus strand). Cytogenetic location: Xp22.13.
Variant type: single nucleotide variant.
Coding change: c.976T>C on transcript NM_000292.3 (MANE Select); coding-DNA position 976, T replaced by C.
Protein change: p.Cys326Arg; replaces cysteine 326 with arginine.
Molecular consequence: missense variant.
Genome position (GRCh38, 1-based): chrX:18,938,692, A>G on the plus strand (T>C on the coding strand, the complement: PHKA2 is on the minus strand). VCF-style: chrX-18938692-A-G. GRCh37 (hg19) VCF-style: chrX-18956810-A-G.
Other names: c.976T>C, p.Cys326Arg (NM_001440800.1, NM_001440801.1, NM_001440805.1); c.877T>C, p.Cys293Arg (NM_001440802.1, NM_001440803.1, NM_001440804.1); short protein forms C293R, C326R.
Identifiers: ClinVar variation 4710653 (VCV004710653.1).

ClinVar aggregate classification (germline): Uncertain significance (1 of 4 stars; one submission).

Conditions:
Glycogen storage disease IXa1. Also called: LIVER GLYCOGENOSIS, X-LINKED, TYPE I; GLYCOGEN STORAGE DISEASE VIII; GSD VIII; Glycogen storage disease 8. Identifiers: Orphanet 264580, MedGen C3694531, MONDO:0010598, OMIM 306000.

Submission:

Labcorp Genetics (formerly Invitae), Labcorp
Classification: Uncertain significance for Glycogen storage disease IXa1. Last evaluated: 2025-08-24. Review status: criteria provided, single submitter. Criteria: Invitae Variant Classification Sherloc (09022015). Collection method: clinical testing. Allele origin: germline.
Comment: This sequence change replaces cysteine, which is neutral and slightly polar, with arginine, which is basic and polar, at codon 326 of the PHKA2 protein (p.Cys326Arg). This variant is not present in population databases (gnomAD no frequency). This variant has not been reported in the literature in individuals affected with PHKA2-related conditions. Invitae Evidence Modeling of protein sequence and biophysical properties (such as structural, functional, and spatial information, amino acid conservation, physicochemical variation, residue mobility, and thermodynamic stability) indicates that this missense variant is expected to disrupt PHKA2 protein function with a positive predictive value of 80%. In summary, the available evidence is currently insufficient to determine the role of this variant in disease. Therefore, it has been classified as a Variant of Uncertain Significance.